The following is an entry in ClinVar:

ClinVar aggregate classification (germline): Uncertain significance (1 of 4 stars; one submission).

Allele frequency attached by ClinVar (database versions not stated): gnomAD exomes 0.00002.

Submission:

Labcorp Genetics (formerly Invitae), Labcorp
Classification: Uncertain significance. Last evaluated: 2025-10-27. Review status: criteria provided, single submitter. Criteria: Invitae Variant Classification Sherloc (09022015). Collection method: clinical testing. Allele origin: germline.
Comment: This sequence change replaces tryptophan, which is neutral and slightly polar, with arginine, which is basic and polar, at codon 239 of the LEMD3 protein (p.Trp239Arg). This variant is present in population databases (no rsID available, gnomAD 0.002%). This variant has not been reported in the literature in individuals affected with LEMD3-related conditions. ClinVar contains an entry for this variant (Variation ID: 2985492). Invitae Evidence Modeling of protein sequence and biophysical properties (such as structural, functional, and spatial information, amino acid conservation, physicochemical variation, residue mobility, and thermodynamic stability) indicates that this missense variant is not expected to disrupt LEMD3 protein function with a negative predictive value of 80%. In summary, the available evidence is currently insufficient to determine the role of this variant in disease. Therefore, it has been classified as a Variant of Uncertain Significance.

NM_014319.5(LEMD3):c.715T>C (p.Trp239Arg)

Gene: LEMD3 (LEM domain containing 3; plus strand). Cytogenetic location: 12q14.3.
Variant type: single nucleotide variant.
Coding change: c.715T>C on transcript NM_014319.5 (MANE Select); coding-DNA position 715, T replaced by C.
Protein change: p.Trp239Arg; replaces tryptophan 239 with arginine.
Molecular consequence: missense variant.
Genome position (GRCh38, 1-based): chr12:65,170,311, T>C. VCF-style: chr12-65170311-T-C. GRCh37 (hg19) VCF-style: chr12-65564091-T-C.
Other names: c.715T>C, p.Trp239Arg (NM_001167614.2); short protein forms W239R.
Identifiers: ClinVar variation 2985492 (VCV002985492.3), dbSNP rs1041372819, ClinGen allele CA238907714.